The following is an entry in ClinVar:

NM_000400.4(ERCC2):c.594+2T>C

Gene: ERCC2 (ERCC excision repair 2, TFIIH core complex helicase subunit; minus strand). Cytogenetic location: 19q13.32.
Variant type: single nucleotide variant.
Coding change: c.594+2T>C on transcript NM_000400.4 (MANE Select); the canonical splice donor site of the intron after coding-DNA position 594, T replaced by C.
Molecular consequence: splice donor variant.
Genome position (GRCh38, 1-based): chr19:45,364,836, A>G on the plus strand (T>C on the coding strand, the complement: ERCC2 is on the minus strand). VCF-style: chr19-45364836-A-G. GRCh37 (hg19) VCF-style: chr19-45868094-A-G.
Other names: c.522+2T>C (NM_001130867.2).
Identifiers: ClinVar variation 2794827 (VCV002794827.3), dbSNP rs2514033812, ClinGen allele CA406375585.
Genomic context (GRCh38, chr19:45,364,836, plus strand): 5'-AGACGGGCGGGCAGCCCACACCCTCACACTCGCCCCTCTGCCCATCCCACCAGCCTCCTC[A>G]CTGAGTATCGAGCAAGGAAGTATGGGCACCAGCCCTGGCGCCGCCCCAGGGCCTTCAGGT-3'

ClinVar aggregate classification (germline): Likely pathogenic (1 of 4 stars; one submission).

Submission:

Labcorp Genetics (formerly Invitae), Labcorp
Classification: Likely pathogenic. Last evaluated: 2023-10-07. Review status: criteria provided, single submitter. Criteria: Invitae Variant Classification Sherloc (09022015). Collection method: clinical testing. Allele origin: germline.
Comment: This sequence change affects a donor splice site in intron 7 of the ERCC2 gene. It is expected to disrupt RNA splicing. Variants that disrupt the donor or acceptor splice site typically lead to a loss of protein function (PMID: 16199547), and loss-of-function variants in ERCC2 are known to be pathogenic (PMID: 9238033, 11335038, 19085937, 19934020). This variant is not present in population databases (gnomAD no frequency). This variant has not been reported in the literature in individuals affected with ERCC2-related conditions. Algorithms developed to predict the effect of sequence changes on RNA splicing suggest that this variant may disrupt the consensus splice site. In summary, the currently available evidence indicates that the variant is pathogenic, but additional data are needed to prove that conclusively. Therefore, this variant has been classified as Likely Pathogenic.

Literature cited by the submitters: PubMed 16199547; PubMed 9238033; PubMed 11335038; PubMed 19085937; PubMed 19934020.